The following is an entry in ClinVar:

ClinVar aggregate classification (germline): Uncertain significance (1 of 4 stars; one submission).

Allele frequency attached by ClinVar (database versions not stated): gnomAD exomes below 0.00001; gnomAD 0.00001; ExAC 0.00002; TOPMed 0.00002.
gnomAD v4.1: 4 of 1,600,052 alleles (0.00025%); highest among the groups gnomAD compares: African/African-American, 0.004%; no homozygotes.

Submission:

Labcorp Genetics (formerly Invitae), Labcorp
Classification: Uncertain significance. Last evaluated: 2023-03-24. Review status: criteria provided, single submitter. Criteria: Invitae Variant Classification Sherloc (09022015). Collection method: clinical testing. Allele origin: germline.
Comment: In summary, the available evidence is currently insufficient to determine the role of this variant in disease. Therefore, it has been classified as a Variant of Uncertain Significance. Algorithms developed to predict the effect of missense changes on protein structure and function output the following: SIFT: "Not Available"; PolyPhen-2: "Benign"; Align-GVGD: "Not Available". The valine amino acid residue is found in multiple mammalian species, which suggests that this missense change does not adversely affect protein function. This variant has not been reported in the literature in individuals affected with ITGAM-related conditions. This variant is present in population databases (rs780824572, gnomAD 0.008%). This sequence change replaces isoleucine, which is neutral and non-polar, with valine, which is neutral and non-polar, at codon 411 of the ITGAM protein (p.Ile411Val).

NM_000632.4(ITGAM):c.1231A>G (p.Ile411Val)

Gene: ITGAM (integrin subunit alpha M; plus strand). Cytogenetic location: 16p11.2.
Variant type: single nucleotide variant.
Coding change: c.1231A>G on transcript NM_000632.4 (MANE Select); coding-DNA position 1231, A replaced by G.
Protein change: p.Ile411Val; replaces isoleucine 411 with valine.
Molecular consequence: missense variant.
Genome position (GRCh38, 1-based): chr16:31,277,984, A>G. VCF-style: chr16-31277984-A-G. GRCh37 (hg19) VCF-style: chr16-31289305-A-G.
Other names: c.1231A>G, p.Ile411Val (NM_001145808.2); short protein forms I411V.
Identifiers: ClinVar variation 2992881 (VCV002992881.3), dbSNP rs780824572, ClinGen allele CA8025478.